The following is an entry in ClinVar:

NM_001332.4(CTNND2):c.439+5G>A

Gene: CTNND2 (catenin delta 2; minus strand). Cytogenetic location: 5p15.2.
Variant type: single nucleotide variant.
Coding change: c.439+5G>A on transcript NM_001332.4 (MANE Select); 5 bases into the intron after coding-DNA position 439, G replaced by A.
Molecular consequence: intron variant.
Genome position (GRCh38, 1-based): chr5:11,411,531, C>T on the plus strand (G>A on the coding strand, the complement: CTNND2 is on the minus strand). VCF-style: chr5-11411531-C-T. GRCh37 (hg19) VCF-style: chr5-11411643-C-T.
Other names: c.-296+5G>A (NM_001288717.2); c.166+5G>A (NM_001364128.2, NM_001288716.1, NM_001288715.1).
Identifiers: ClinVar variation 3357640 (VCV003357640.2).

ClinVar aggregate classification (germline): Uncertain significance (1 of 4 stars; one submission).

Conditions:
CTNND2-related disorder. Also called: CTNND2-related condition.

gnomAD v4.1: 19 of 1,477,350 alleles (0.0013%); highest among the groups gnomAD compares: Admixed American, 0.03%; 1 homozygote.

Submission:

PreventionGenetics, part of Exact Sciences
Classification: Uncertain significance for CTNND2-related condition. Last evaluated: 2025-02-21. Review status: criteria provided, single submitter. Criteria: ACMG Guidelines, 2015. Collection method: clinical testing. Allele origin: germline.
Comment: The CTNND2 c.439+5G>A variant is predicted to interfere with splicing. To our knowledge, this variant has not been reported in the literature. This variant is reported in 0.034% of alleles in individuals of Latino descent in gnomAD. At this time, the clinical significance of this variant is uncertain due to the absence of conclusive functional and genetic evidence.